The following is an entry in ClinVar:

NM_001352514.2(HLCS):c.1435C>T (p.Gln479Ter)

Gene: HLCS (holocarboxylase synthetase; minus strand). Cytogenetic location: 21q22.13.
Variant type: single nucleotide variant.
Coding change: c.1435C>T on transcript NM_001352514.2 (MANE Select); coding-DNA position 1435, C replaced by T.
Protein change: p.Gln479Ter; replaces glutamine 479 with a stop codon.
Molecular consequence: nonsense. On other transcripts: non-coding transcript variant (2).
Genome position (GRCh38, 1-based): chr21:36,936,451, G>A on the plus strand (C>T on the coding strand, the complement: HLCS is on the minus strand). VCF-style: chr21-36936451-G-A. GRCh37 (hg19) VCF-style: chr21-38308751-G-A.
Other names: c.994C>T, p.Gln332Ter (NM_000411.8, NM_001242784.3, NM_001242785.2 and 4 more transcripts); short protein forms Q332*, Q479*.
Identifiers: ClinVar variation 5012455 (VCV005012455.1).
Genomic context (GRCh38, chr21:36,936,451, plus strand): 5'-CCTCGCAAAAATACCCACAGATACCCAAAGATCACCAAATCCATGCTGCCCTGAGTACCT[G>A]GCAAAGAACAGCTTCTCCCCCGCGAGTTCCAAAAGGCACATGCACAATCATCCTGTCCTT-3'

ClinVar aggregate classification (germline): Pathogenic (1 of 4 stars; one submission).

Conditions:
Holocarboxylase synthetase deficiency. Also called: MULTIPLE CARBOXYLASE DEFICIENCY, EARLY ONSET. Identifiers: Orphanet 79242, MedGen C0268581, MONDO:0009666, OMIM 253270.

Submission:

Myriad Genetics, Inc.
Classification: Pathogenic for Holocarboxylase synthetase deficiency. Last evaluated: 2023-11-03. Review status: criteria provided, single submitter. Criteria: Myriad Autosomal Dominant, Autosomal Recessive and X-Linked Classification Criteria (2023). Collection method: clinical testing. Allele origin: unknown.
Comment: NM_000411.6(HLCS):c.994C>T(Q332*) is expected to be pathogenic in the context of holocarboxylase synthetase deficiency. This variant is predicted to lead to an abnormal or absent protein product due to the creation of a premature termination codon in HLCS, a gene where loss-of-function variants are known to be pathogenic. Please note: this variant was assessed in the context of healthy population screening.